The following is an entry in ClinVar:

ClinVar aggregate classification (germline): Uncertain significance (1 of 4 stars; one submission).

Conditions:
Hereditary cancer-predisposing syndrome. Also called: Neoplastic Syndromes, Hereditary; Hereditary neoplastic syndrome; Tumor predisposition; Hereditary Cancer Syndrome. Identifiers: Orphanet 140162, MedGen C0027672, MeSH D009386, MONDO:0015356.

Submission:

Ambry Genetics
Classification: Uncertain significance for Hereditary cancer-predisposing syndrome. Last evaluated: 2023-01-04. Review status: criteria provided, single submitter. Criteria: Ambry Variant Classification Scheme 2023. Collection method: clinical testing. Allele origin: germline.
Comment: The p.L44P variant (also known as c.131T>C), located in coding exon 1 of the BARD1 gene, results from a T to C substitution at nucleotide position 131. The leucine at codon 44 is replaced by proline, an amino acid with similar properties. In one study, this alteration was found to abolish BRCA1/BARD1 heterodimer formation and prevent early recruitment of BRCA1 to DNA damage sites (Li M et al. Cancer Cell, 2013 May;23:693-704). This amino acid position is highly conserved in available vertebrate species. In addition, this alteration is predicted to be deleterious by in silico analysis. Since supporting evidence is limited at this time, the clinical significance of this alteration remains unclear.

Literature cited by the submitters: PubMed 23680151.

NM_000465.4(BARD1):c.131T>C (p.Leu44Pro)

Gene: BARD1 (BRCA1 associated RING domain 1; minus strand). Cytogenetic location: 2q35.
Variant type: single nucleotide variant.
Coding change: c.131T>C on transcript NM_000465.4 (MANE Select); coding-DNA position 131, T replaced by C.
Protein change: p.Leu44Pro; replaces leucine 44 with proline.
Molecular consequence: missense variant. On other transcripts: non-coding transcript variant (3).
Genome position (GRCh38, 1-based): chr2:214,809,439, A>G on the plus strand (T>C on the coding strand, the complement: BARD1 is on the minus strand). VCF-style: chr2-214809439-A-G. GRCh37 (hg19) VCF-style: chr2-215674163-A-G.
Other names: c.131T>C, p.Leu44Pro (NM_001282543.2, NM_001282545.2, NM_001282548.2 and 1 more transcripts); short protein forms L44P.
Identifiers: ClinVar variation 2497606 (VCV002497606.2), dbSNP rs2469637730, ClinGen allele CA350464893.